The following is an entry in ClinVar:

ClinVar aggregate classification (germline): Uncertain significance (1 of 4 stars; one submission).

Submission:

Ambry Genetics
Classification: Uncertain significance. Last evaluated: 2023-06-24. Review status: criteria provided, single submitter. Criteria: Ambry Variant Classification Scheme 2023. Collection method: clinical testing. Allele origin: germline.
Comment: The p.S120R variant (also known as c.358A>C), located in coding exon 3 of the RECQL gene, results from an A to C substitution at nucleotide position 358. The serine at codon 120 is replaced by arginine, an amino acid with dissimilar properties. This amino acid position is conserved. In addition, this alteration is predicted to be deleterious by in silico analysis. Since supporting evidence is limited at this time, the clinical significance of this alteration remains unclear.

NM_002907.4(RECQL):c.358A>C (p.Ser120Arg)

Gene: RECQL (RecQ like helicase; minus strand). Cytogenetic location: 12p12.1.
Variant type: single nucleotide variant.
Coding change: c.358A>C on transcript NM_002907.4 (MANE Select); coding-DNA position 358, A replaced by C.
Protein change: p.Ser120Arg; replaces serine 120 with arginine.
Molecular consequence: missense variant.
Genome position (GRCh38, 1-based): chr12:21,490,235, T>G on the plus strand (A>C on the coding strand, the complement: RECQL is on the minus strand). VCF-style: chr12-21490235-T-G. GRCh37 (hg19) VCF-style: chr12-21643169-T-G.
Other names: c.358A>C, p.Ser120Arg (NM_032941.3); short protein forms S120R.
Identifiers: ClinVar variation 2585991 (VCV002585991.2), dbSNP rs1361768293, ClinGen allele CA384132384.